The following is an entry in ClinVar:

NM_000138.5(FBN1):c.4588del (p.Arg1530fs)

Gene: FBN1 (fibrillin 1; minus strand). Cytogenetic location: 15q21.1.
Variant type: Deletion.
Coding change: c.4588del on transcript NM_000138.5 (MANE Select); coding-DNA position 4588, one base deleted (C; older notation c.4588delC).
Protein change: p.Arg1530fs; shifts the reading frame from arginine 1530.
Molecular consequence: frameshift variant.
Genome position (GRCh38, 1-based): chr15:48,468,097, G deleted on the plus strand (C on the coding strand, the reverse complement: FBN1 is on the minus strand); the first of 3 consecutive G bases (chr15:48,468,097-48,468,099); deleting any one gives the same sequence. VCF-style (leftmost placement, unchanged base first): chr15-48468096-CG-C. GRCh37 (hg19) VCF-style: chr15-48760293-CG-C.
Other names: short protein forms R1530fs.
Identifiers: ClinVar variation 963074 (VCV000963074.7), dbSNP rs2043338241, ClinGen allele CA1139663949.
Genomic context (GRCh38, chr15:48,468,096, plus strand): 5'-CTGCAGGCTGTATCTCCATTGTCTCCTCGAGGTCGAATATCCAAATAGCAATTTCCAGAG[CG>C]GGTATCTATTTACCATATACAAACACAAAAGCATCAGGCAGAATCTTTCTACTGGGGTTG-3'

ClinVar aggregate classification (germline): Pathogenic (1 of 4 stars; one submission).

Conditions:
Marfan syndrome (MFS). Also called: FBN1-Related Marfan Syndrome; MARFAN SYNDROME, TYPE I; Marfan syndrome type 1; Marfan's syndrome; Marfan syndrome, classic. Identifiers: Orphanet 284963, Orphanet 558, MedGen C0024796, MONDO:0007947, OMIM 154700.
Familial thoracic aortic aneurysm and aortic dissection (TAAD). Also called: Thoracic aortic aneurysms and dissections. Identifiers: Orphanet 91387, MedGen C4707243, MONDO:0019625.

Submission:

Labcorp Genetics (formerly Invitae), Labcorp
Classification: Pathogenic for Marfan syndrome; Familial thoracic aortic aneurysm and aortic dissection. Last evaluated: 2022-08-23. Review status: criteria provided, single submitter. Criteria: Invitae Variant Classification Sherloc (09022015). Collection method: clinical testing. Allele origin: germline.
Comment: For these reasons, this variant has been classified as Pathogenic. ClinVar contains an entry for this variant (Variation ID: 963074). This variant has not been reported in the literature in individuals affected with FBN1-related conditions. This variant is not present in population databases (gnomAD no frequency). This sequence change creates a premature translational stop signal (p.Arg1530Alafs*51) in the FBN1 gene. It is expected to result in an absent or disrupted protein product. Loss-of-function variants in FBN1 are known to be pathogenic (PMID: 17657824, 19293843).

Literature cited by the submitters: PubMed 17657824; PubMed 19293843.